The following is an entry in ClinVar:

NM_005359.6(SMAD4):c.811A>G (p.Ser271Gly)

Gene: SMAD4 (SMAD family member 4; plus strand). Cytogenetic location: 18q21.2.
Variant type: single nucleotide variant.
Coding change: c.811A>G on transcript NM_005359.6 (MANE Select); coding-DNA position 811, A replaced by G.
Protein change: p.Ser271Gly; replaces serine 271 with glycine.
Molecular consequence: missense variant. On other transcripts: non-coding transcript variant (2).
Genome position (GRCh38, 1-based): chr18:51,058,363, A>G. VCF-style: chr18-51058363-A-G. GRCh37 (hg19) VCF-style: chr18-48584733-A-G.
Other names: c.811A>G, p.Ser271Gly (NM_001407042.1, NM_001407043.1, NM_001407041.1); short protein forms S271G.
Identifiers: ClinVar variation 2999924 (VCV002999924.4), dbSNP rs2144428565, ClinGen allele CA402463339.
Genomic context (GRCh38, chr18:51,058,363, plus strand): 5'-TAAAAGCAAATTAACCCATGTGGGCCTTAATTTTTAGACAGCACTACCACCTGGACTGGA[A>G]GTAGGACTGCACCATACACACCTAATTTGCCTCACCACCAAAACGGCCATCTTCAGCACC-3'
Protein context (NP_005350.1, residues 261-281): HHNSTTTWTG[Ser271Gly]RTAPYTPNLP

ClinVar aggregate classification (germline): Uncertain significance. Review status: criteria provided, multiple submitters, no conflicts (2 of 4 stars). 2 submissions from 2 submitters: Uncertain significance (2). Last evaluated 2025-06-29.

Conditions:
Hereditary cancer-predisposing syndrome. Also called: Hereditary Cancer Syndrome; Hereditary neoplastic syndrome; Neoplastic Syndromes, Hereditary; Tumor predisposition. Identifiers: Orphanet 140162, MedGen C0027672, MeSH D009386, MONDO:0015356.
Familial thoracic aortic aneurysm and aortic dissection (TAAD). Also called: Thoracic aortic aneurysms and dissections. Identifiers: Orphanet 91387, MedGen C4707243, MONDO:0019625.
Juvenile polyposis syndrome (JPS). Identifiers: Orphanet 2929, MedGen C0345893, MONDO:0017380, OMIM 174900.

Submissions (2):

Ambry Genetics
Classification: Uncertain significance for Hereditary cancer-predisposing syndrome; Familial thoracic aortic aneurysm and aortic dissection. Last evaluated: 2025-06-29. Review status: criteria provided, single submitter. Criteria: Ambry Variant Classification Scheme 2023. Collection method: clinical testing. Allele origin: germline.

Labcorp Genetics (formerly Invitae), Labcorp
Classification: Uncertain significance for Juvenile polyposis syndrome. Last evaluated: 2023-02-10. Review status: criteria provided, single submitter. Criteria: Invitae Variant Classification Sherloc (09022015). Collection method: clinical testing. Allele origin: germline.
Comment: Advanced modeling of protein sequence and biophysical properties (such as structural, functional, and spatial information, amino acid conservation, physicochemical variation, residue mobility, and thermodynamic stability) performed at Invitae indicates that this missense variant is not expected to disrupt SMAD4 protein function. This variant has not been reported in the literature in individuals affected with SMAD4-related conditions. This variant is not present in population databases (gnomAD no frequency). This sequence change replaces serine, which is neutral and polar, with glycine, which is neutral and non-polar, at codon 271 of the SMAD4 protein (p.Ser271Gly). In summary, the available evidence is currently insufficient to determine the role of this variant in disease. Therefore, it has been classified as a Variant of Uncertain Significance.